The following is an entry in ClinVar:

ClinVar aggregate classification (germline): Uncertain significance. Review status: criteria provided, multiple submitters, no conflicts (2 of 4 stars). 2 submissions from 2 submitters: Uncertain significance (2). Last evaluated 2025-08-09.

Conditions:
Inborn genetic diseases. Identifiers: MedGen C0950123, MeSH D030342.

gnomAD v4.1: 11 of 1,613,930 alleles (0.00068%); highest among the groups gnomAD compares: South Asian, 0.0033%; no homozygotes.

Submissions (2):

GeneDx
Classification: Uncertain significance. Last evaluated: 2025-08-09. Review status: criteria provided, single submitter. Criteria: GeneDx Variant Classification Process June 2021. Collection method: clinical testing. Allele origin: germline. Affected: yes.
Comment: Not observed at significant frequency in large population cohorts (gnomAD); In silico analysis suggests that this missense variant does not alter protein structure/function; Has not been previously published as pathogenic or benign to our knowledge

Ambry Genetics
Classification: Uncertain significance for Inborn genetic diseases. Last evaluated: 2023-01-18. Review status: criteria provided, single submitter. Criteria: Ambry Variant Classification Scheme 2023. Collection method: clinical testing. Allele origin: germline.

NM_016356.5(DCDC2):c.1066G>C (p.Ala356Pro)

Gene: DCDC2 (doublecortin domain containing 2; minus strand). Cytogenetic location: 6p22.3.
Variant type: single nucleotide variant.
Coding change: c.1066G>C on transcript NM_016356.5 (MANE Select); coding-DNA position 1066, G replaced by C.
Protein change: p.Ala356Pro; replaces alanine 356 with proline.
Molecular consequence: missense variant.
Genome position (GRCh38, 1-based): chr6:24,178,590, C>G on the plus strand (G>C on the coding strand, the complement: DCDC2 is on the minus strand). VCF-style: chr6-24178590-C-G. GRCh37 (hg19) VCF-style: chr6-24178818-C-G.
Other names: c.1066G>C, p.Ala356Pro (NM_001195610.2); c.1066G>C (NM_016356.4); short protein forms A356P.
Identifiers: ClinVar variation 2469908 (VCV002469908.3), dbSNP rs183480366, ClinGen allele CA136622221.